The following is an entry in ClinVar:

ClinVar aggregate classification (germline): Uncertain significance (1 of 4 stars; one submission).

Conditions:
Hereditary cancer-predisposing syndrome. Also called: Neoplastic Syndromes, Hereditary; Tumor predisposition; Hereditary Cancer Syndrome; Hereditary neoplastic syndrome. Identifiers: Orphanet 140162, MedGen C0027672, MeSH D009386, MONDO:0015356.

Submission:

Ambry Genetics
Classification: Uncertain significance for Hereditary cancer-predisposing syndrome. Last evaluated: 2024-09-05. Review status: criteria provided, single submitter. Criteria: Ambry Variant Classification Scheme 2023. Collection method: clinical testing. Allele origin: germline.
Comment: The p.Q280K variant (also known as c.838C>A), located in coding exon 8 of the PRKAR1A gene, results from a C to A substitution at nucleotide position 838. The glutamine at codon 280 is replaced by lysine, an amino acid with similar properties. This amino acid position is conserved. In addition, the in silico prediction for this alteration is inconclusive. Based on the available evidence, the clinical significance of this variant remains unclear.

NM_002734.5(PRKAR1A):c.838C>A (p.Gln280Lys)

Gene: PRKAR1A (protein kinase cAMP-dependent type I regulatory subunit alpha; plus strand). Cytogenetic location: 17q24.2.
Variant type: single nucleotide variant.
Coding change: c.838C>A on transcript NM_002734.5 (MANE Select); coding-DNA position 838, C replaced by A.
Protein change: p.Gln280Lys; replaces glutamine 280 with lysine.
Molecular consequence: missense variant.
Genome position (GRCh38, 1-based): chr17:68,528,938, C>A. VCF-style: chr17-68528938-C-A. GRCh37 (hg19) VCF-style: chr17-66525079-C-A.
Other names: c.838C>A, p.Gln280Lys (NM_001276289.2, NM_001276290.1, NM_001278433.2 and 4 more transcripts); short protein forms Q280K.
Identifiers: ClinVar variation 3425065 (VCV003425065.1).